The following is an entry in ClinVar:

ClinVar aggregate classification (germline): Pathogenic (1 of 4 stars; one submission).

Conditions:
DICER1-related tumor predisposition. Also called: DICER1 syndrome; DICER1-related pleuropulmonary blastoma cancer predisposition syndrome. Identifiers: Orphanet 284343, MedGen C3839822, MONDO:0100216.

Submission:

Labcorp Genetics (formerly Invitae), Labcorp
Classification: Pathogenic for DICER1-related tumor predisposition. Last evaluated: 2022-03-09. Review status: criteria provided, single submitter. Criteria: Invitae Variant Classification Sherloc (09022015). Collection method: clinical testing. Allele origin: germline.
Comment: For these reasons, this variant has been classified as Pathogenic. This variant has not been reported in the literature in individuals affected with DICER1-related conditions. This variant is not present in population databases (gnomAD no frequency). This sequence change creates a premature translational stop signal (p.Gln928*) in the DICER1 gene. It is expected to result in an absent or disrupted protein product. Loss-of-function variants in DICER1 are known to be pathogenic (PMID: 19556464, 21266384).

Literature cited by the submitters: PubMed 19556464; PubMed 21266384.

NM_177438.3(DICER1):c.2782C>T (p.Gln928Ter)

Gene: DICER1 (dicer 1, ribonuclease III; minus strand). Cytogenetic location: 14q32.13.
Variant type: single nucleotide variant.
Coding change: c.2782C>T on transcript NM_177438.3 (MANE Select); coding-DNA position 2782, C replaced by T.
Protein change: p.Gln928Ter; replaces glutamine 928 with a stop codon.
Molecular consequence: nonsense. On other transcripts: non-coding transcript variant (6).
Genome position (GRCh38, 1-based): chr14:95,107,630, G>A on the plus strand (C>T on the coding strand, the complement: DICER1 is on the minus strand). VCF-style: chr14-95107630-G-A. GRCh37 (hg19) VCF-style: chr14-95573967-G-A.
Other names: c.2782C>T, p.Gln928Ter (NM_001195573.1, NM_001271282.3, NM_001291628.2 and 13 more transcripts); c.2500C>T, p.Gln834Ter (NM_001395686.1); c.2377C>T, p.Gln793Ter (NM_001395687.1, NM_001395688.1, NM_001395689.1 and 2 more transcripts); c.2215C>T, p.Gln739Ter (NM_001395691.1); c.1099C>T, p.Gln367Ter (NM_001395697.1); short protein forms Q367*, Q739*, Q928*, Q793*, Q834*.
Identifiers: ClinVar variation 2107737 (VCV002107737.4), dbSNP rs1891553550, ClinGen allele CA390879445.
Genomic context (GRCh38, chr14:95,107,630, plus strand): 5'-AGTATCACCACCATTTTCCTTTCCATTTAAATACCTACCTTGGAATGATAACGGCATCTT[G>A]GTAATCTTCTAATTTAAAAACAAAGGGTGTTTCTTTTGTATACTTTGTACTGGGAATGCC-3'